The following is an entry in ClinVar:

NM_000038.6(APC):c.4253T>A (p.Ile1418Lys)

Gene: APC (APC regulator of Wnt signaling pathway; plus strand). Cytogenetic location: 5q22.2.
Variant type: single nucleotide variant.
Coding change: c.4253T>A on transcript NM_000038.6 (MANE Select); coding-DNA position 4253, T replaced by A.
Protein change: p.Ile1418Lys; replaces isoleucine 1418 with lysine.
Molecular consequence: missense variant.
Genome position (GRCh38, 1-based): chr5:112,839,847, T>A. VCF-style: chr5-112839847-T-A. GRCh37 (hg19) VCF-style: chr5-112175544-T-A.
Other names: c.3404T>A, p.Ile1135Lys (NM_001354906.2, NM_001407470.1); c.4337T>A, p.Ile1446Lys (NM_001407446.1); c.4307T>A, p.Ile1436Lys (NM_001407447.1, NM_001407448.1, NM_001407449.1 and 1 more transcripts); c.4253T>A, p.Ile1418Lys (NM_001407450.1, NM_001127510.3, NM_001354895.2); c.4232T>A, p.Ile1411Lys (NM_001407451.1); c.4223T>A, p.Ile1408Lys (NM_001407452.1); c.4076T>A, p.Ile1359Lys (NM_001407453.1, NM_001354901.2); c.4004T>A, p.Ile1335Lys (NM_001407454.1, NM_001407455.1, NM_001407456.1 and 1 more transcripts); and 11 more; short protein forms I1292K, I1327K, I1393K, I1411K, I1428K, I1436K, I1135K, I1400K.
Identifiers: ClinVar variation 2071791 (VCV002071791.4), dbSNP rs1304517507, ClinGen allele CA16030647.

ClinVar aggregate classification (germline): Uncertain significance (1 of 4 stars; one submission).

Conditions:
Familial adenomatous polyposis 1 (FAP1). Also called: FAMILIAL ADENOMATOUS POLYPOSIS 1, ATTENUATED; POLYPOSIS, ADENOMATOUS INTESTINAL. Identifiers: MedGen C2713442, MONDO:0021056, OMIM 175100. Disease mechanism: loss of function.

Submission:

Labcorp Genetics (formerly Invitae), Labcorp
Classification: Uncertain significance for Familial adenomatous polyposis 1. Last evaluated: 2025-01-23. Review status: criteria provided, single submitter. Criteria: Invitae Variant Classification Sherloc (09022015). Collection method: clinical testing. Allele origin: germline.
Comment: This sequence change replaces isoleucine, which is neutral and non-polar, with lysine, which is basic and polar, at codon 1418 of the APC protein (p.Ile1418Lys). This variant is not present in population databases (gnomAD no frequency). This variant has not been reported in the literature in individuals affected with APC-related conditions. ClinVar contains an entry for this variant (Variation ID: 2071791). Invitae Evidence Modeling of protein sequence and biophysical properties (such as structural, functional, and spatial information, amino acid conservation, physicochemical variation, residue mobility, and thermodynamic stability) indicates that this missense variant is not expected to disrupt APC protein function with a negative predictive value of 95%. In summary, the available evidence is currently insufficient to determine the role of this variant in disease. Therefore, it has been classified as a Variant of Uncertain Significance.